The following is an entry in ClinVar:

ClinVar aggregate classification (germline): Likely pathogenic (1 of 4 stars; one submission).

Conditions:
Polycystic kidney disease 4 (PKD4). Also called: POLYCYSTIC KIDNEY AND HEPATIC DISEASE 1; POLYCYSTIC KIDNEY DISEASE, INFANTILE, TYPE I; POLYCYSTIC KIDNEY DISEASE 4 WITH OR WITHOUT POLYCYSTIC LIVER DISEASE; PKD3; Autosomal Recessive Polycystic Kidney Disease – PKHD1. Identifiers: MedGen C4540575, MONDO:0033004, OMIM 263200.

Submission:

Myriad Genetics, Inc.
Classification: Likely pathogenic for Polycystic kidney disease 4. Last evaluated: 2022-02-28. Review status: criteria provided, single submitter. Criteria: Myriad Women's Health Autosomal Recessive and X-Linked Classification Criteria (2021). Collection method: clinical testing. Allele origin: unknown.
Comment: NM_138694.3(PKHD1):c.1625T>A(L542*) is expected to be pathogenic in the context of autosomal recessive polycystic kidney disease, PKHD1-related. This variant is predicted to lead to an abnormal or absent protein product due to the creation of a premature termination codon in PKHD1, a gene where loss-of-function variants are known to be pathogenic. Please note: this variant was assessed in the context of healthy population screening.

NM_138694.4(PKHD1):c.1625T>A (p.Leu542Ter)

Gene: PKHD1 (PKHD1 ciliary IPT domain containing fibrocystin/polyductin; minus strand). Cytogenetic location: 6p12.2.
Variant type: single nucleotide variant.
Coding change: c.1625T>A on transcript NM_138694.4 (MANE Select); coding-DNA position 1625, T replaced by A.
Protein change: p.Leu542Ter; replaces leucine 542 with a stop codon.
Molecular consequence: nonsense.
Genome position (GRCh38, 1-based): chr6:52,056,766, A>T on the plus strand (T>A on the coding strand, the complement: PKHD1 is on the minus strand). VCF-style: chr6-52056766-A-T. GRCh37 (hg19) VCF-style: chr6-51921564-A-T.
Other names: c.1625T>A, p.Leu542Ter (NM_170724.3); short protein forms L542*.
Identifiers: ClinVar variation 1724823 (VCV001724823.2), dbSNP rs2533337394, ClinGen allele CA364424994.